The following is an entry in ClinVar:

ClinVar aggregate classification (germline): Conflicting classifications of pathogenicity. Review status: criteria provided, conflicting classifications (1 of 4 stars). 4 submissions from 4 submitters: Pathogenic (1); Uncertain significance (3). Last evaluated 2025-12-16.

Conditions:
Primary hyperoxaluria type 3. Also called: PH III. Identifiers: Orphanet 416, Orphanet 93600, MedGen C3150878, MONDO:0013327, OMIM 613616. Disease mechanism: loss of function.
Inborn genetic diseases. Identifiers: MedGen C0950123, MeSH D030342.

Allele frequency attached by ClinVar (database versions not stated): gnomAD 0.00003 and 0.00004; gnomAD exomes 0.00006 and 0.00012; ExAC 0.00010; TOPMed 0.00010.

Submissions (4):

Labcorp Genetics (formerly Invitae), Labcorp
Classification: Pathogenic. Last evaluated: 2025-12-16. Review status: criteria provided, single submitter. Criteria: Invitae Variant Classification Sherloc (09022015). Collection method: clinical testing. Allele origin: germline.
Comment: This sequence change replaces leucine, which is neutral and non-polar, with phenylalanine, which is neutral and non-polar, at codon 150 of the HOGA1 protein (p.Leu150Phe). This variant is present in population databases (rs745919223, gnomAD 0.09%). This missense change has been observed in individual(s) with autosomal recessive primary hyperoxaluria (internal data). ClinVar contains an entry for this variant (Variation ID: 878141). Invitae Evidence Modeling of protein sequence and biophysical properties (such as structural, functional, and spatial information, amino acid conservation, physicochemical variation, residue mobility, and thermodynamic stability) has been performed for this missense variant. However, the output from this modeling did not meet the statistical confidence thresholds required to predict the impact of this variant on HOGA1 protein function. For these reasons, this variant has been classified as Pathogenic.

Fulgent Genetics
Classification: Uncertain significance for Primary hyperoxaluria type 3. Last evaluated: 2024-06-22. Review status: criteria provided, single submitter. Criteria: ACMG Guidelines, 2015. Collection method: clinical testing. Allele origin: germline.

Ambry Genetics
Classification: Uncertain significance for Inborn genetic diseases. Last evaluated: 2022-06-03. Review status: criteria provided, single submitter. Criteria: Ambry Variant Classification Scheme 2023. Collection method: clinical testing. Allele origin: germline.

Illumina Laboratory Services, Illumina
Classification: Uncertain significance for Primary hyperoxaluria type 3. Last evaluated: 2018-01-12. Review status: criteria provided, single submitter. Criteria: ICSL Variant Classification Criteria 13 December 2019. Collection method: clinical testing. Allele origin: germline.

NM_138413.4(HOGA1):c.448C>T (p.Leu150Phe)

Gene: HOGA1 (4-hydroxy-2-oxoglutarate aldolase 1; plus strand). Cytogenetic location: 10q24.2.
Variant type: single nucleotide variant.
Coding change: c.448C>T on transcript NM_138413.4 (MANE Select); coding-DNA position 448, C replaced by T.
Protein change: p.Leu150Phe; replaces leucine 150 with phenylalanine.
Molecular consequence: missense variant. On other transcripts: intron variant (1).
Genome position (GRCh38, 1-based): chr10:97,599,196, C>T. VCF-style: chr10-97599196-C-T. GRCh37 (hg19) VCF-style: chr10-99358953-C-T.
Other names: c.212-2661C>T (NM_001134670.2); short protein forms L150F.
Identifiers: ClinVar variation 878141 (VCV000878141.11), dbSNP rs745919223, ClinGen allele CA5634107.